The following is an entry in ClinVar:

ClinVar aggregate classification (germline): Pathogenic (1 of 4 stars; one submission).

Submission:

GeneDx
Classification: Pathogenic. Last evaluated: 2024-01-30. Review status: criteria provided, single submitter. Criteria: GeneDx Variant Classification Process June 2021. Collection method: clinical testing. Allele origin: germline. Affected: yes.
Comment: Frameshift variant predicted to result in protein truncation or nonsense mediated decay in a gene for which loss of function is a known mechanism of disease; Not observed at significant frequency in large population cohorts (gnomAD); Has not been previously published as pathogenic or benign to our knowledge

NM_004260.4(RECQL4):c.2138_2139del (p.Thr713fs)

Gene: RECQL4 (RecQ like helicase 4; minus strand). Cytogenetic location: 8q24.3.
Variant type: Microsatellite.
Coding change: c.2138_2139del on transcript NM_004260.4 (MANE Select); coding-DNA positions 2138 to 2139, 2 bases deleted (CA; older notation c.2138_2139delCA).
Protein change: p.Thr713fs; shifts the reading frame from threonine 713.
Molecular consequence: frameshift variant. On other transcripts: non-coding transcript variant (2).
Genome position (GRCh38, 1-based): chr8:144,513,632-144,513,633, TG deleted on the plus strand (CA on the coding strand, the reverse complement: RECQL4 is on the minus strand); deleting any 2 consecutive bases within chr8:144,513,632-144,513,636 gives the same sequence; the c. name uses the placement nearest the transcript's 3' end. VCF-style (leftmost placement, unchanged base first): chr8-144513631-CTG-C. GRCh37 (hg19) VCF-style: chr8-145739015-CTG-C.
Other names: c.2042_2043del, p.Thr681fs (NM_001413017.1, NM_001413020.1); c.2138_2139del, p.Thr713fs (NM_001413018.1, NM_001413019.1, NM_001413036.1); c.1067_1068del, p.Thr356fs (NM_001413021.1, NM_001413022.1, NM_001413023.1 and 6 more transcripts); c.2009_2010del, p.Thr670fs (NM_001413025.1); c.1001_1002del, p.Thr334fs (NM_001413027.1, NM_001413030.1, NM_001413032.1 and 1 more transcripts); c.1787_1788del, p.Thr596fs (NM_001413029.1); c.869_870del, p.Thr290fs (NM_001413031.1); c.2006_2007del, p.Thr669fs (NM_001413033.1); and 4 more; short protein forms T224fs, T290fs, T312fs, T334fs, T346fs, T356fs, T596fs, T669fs.
Identifiers: ClinVar variation 3340662 (VCV003340662.1).